The following is an entry in ClinVar:

ClinVar aggregate classification (germline): Likely pathogenic (1 of 4 stars; one submission).

Submission:

CeGaT Center for Human Genetics Tuebingen
Classification: Likely pathogenic. Last evaluated: 2026-04-01. Review status: criteria provided, single submitter. Criteria: CeGaT Center For Human Genetics Tuebingen Variant Classification Criteria Version 2. Collection method: clinical testing. Allele origin: germline. Affected: yes. Observed: 1 variant allele.
Comment: ATP6V0C: PVS1:Strong, PM2, PS2:Moderate

NM_001694.4(ATP6V0C):c.294dup (p.Val99fs)

Gene: ATP6V0C (ATPase H+ transporting V0 subunit c; plus strand). Cytogenetic location: 16p13.3.
Variant type: Duplication.
Coding change: c.294dup on transcript NM_001694.4 (MANE Select); coding-DNA position 294, one base duplicated (C; older notation c.294dupC).
Protein change: p.Val99fs; shifts the reading frame from valine 99.
Molecular consequence: frameshift variant.
Genome position (GRCh38, 1-based): chr16:2,519,571, C duplicated. VCF-style (leftmost placement, unchanged base first): chr16-2519570-G-GC. GRCh37 (hg19) VCF-style: chr16-2569571-G-GC.
Other names: c.294dup, p.Val99fs (NM_001198569.2); short protein forms V99fs.
Identifiers: ClinVar variation 2498642 (VCV002498642.28), dbSNP rs2505558761, ClinGen allele CA2580091009.